The following is an entry in ClinVar:

ClinVar aggregate classification (germline): Conflicting classifications of pathogenicity. Review status: criteria provided, conflicting classifications (1 of 4 stars). 2 submissions from 2 submitters: Uncertain significance (1); Likely benign (1). Last evaluated 2026-08-17.

Conditions:
Hereditary cancer-predisposing syndrome. Also called: Hereditary Cancer Syndrome; Hereditary neoplastic syndrome; Neoplastic Syndromes, Hereditary; Tumor predisposition. Identifiers: Orphanet 140162, MedGen C0027672, MeSH D009386, MONDO:0015356.
Hereditary nonpolyposis colorectal neoplasms. Identifiers: MedGen C0009405, MeSH D003123.

Submissions (2):

Ambry Genetics
Classification: Likely benign for Hereditary cancer-predisposing syndrome. Last evaluated: 2026-08-17. Review status: criteria provided, single submitter. Criteria: Ambry Variant Classification Scheme 2023. Collection method: clinical testing. Allele origin: germline.

Labcorp Genetics (formerly Invitae), Labcorp
Classification: Uncertain significance for Hereditary nonpolyposis colorectal neoplasms. Last evaluated: 2024-11-27. Review status: criteria provided, single submitter. Criteria: Invitae Variant Classification Sherloc (09022015). Collection method: clinical testing. Allele origin: germline.
Comment: This sequence change replaces aspartic acid, which is acidic and polar, with glycine, which is neutral and non-polar, at codon 502 of the PMS2 protein (p.Asp502Gly). This variant is not present in population databases (gnomAD no frequency). This variant has not been reported in the literature in individuals affected with PMS2-related conditions. ClinVar contains an entry for this variant (Variation ID: 1774073). Invitae Evidence Modeling incorporating data from in vitro experimental studies (internal data) indicates that this missense variant is not expected to disrupt PMS2 function with a negative predictive value of 95%. In summary, the available evidence is currently insufficient to determine the role of this variant in disease. Therefore, it has been classified as a Variant of Uncertain Significance.

NM_000535.7(PMS2):c.1505A>G (p.Asp502Gly)

Gene: PMS2 (PMS1 homolog 2, mismatch repair system component; minus strand). Cytogenetic location: 7p22.1.
Variant type: single nucleotide variant.
Coding change: c.1505A>G on transcript NM_000535.7 (MANE Select); coding-DNA position 1505, A replaced by G.
Protein change: p.Asp502Gly; replaces aspartic acid 502 with glycine.
Molecular consequence: missense variant. On other transcripts: non-coding transcript variant (1).
Genome position (GRCh38, 1-based): chr7:5,987,260, T>C on the plus strand (A>G on the coding strand, the complement: PMS2 is on the minus strand). VCF-style: chr7-5987260-T-C. GRCh37 (hg19) VCF-style: chr7-6026891-T-C.
Other names: c.1100A>G, p.Asp367Gly (NM_001018040.1, NM_001322003.2, NM_001322004.2 and 17 more transcripts); c.1196A>G, p.Asp399Gly (NM_001322015.2, NM_001406875.1, NM_001406877.1 and 5 more transcripts); c.1691A>G, p.Asp564Gly (NM_001406866.1); c.1529A>G, p.Asp510Gly (NM_001406868.1); c.1397A>G, p.Asp466Gly (NM_001406869.1); c.1349A>G, p.Asp450Gly (NM_001406870.1, NM_001322006.2); c.1505A>G, p.Asp502Gly (NM_001406871.1, NM_001406872.1, NM_001322014.2); c.1307A>G, p.Asp436Gly (NM_001406873.1); and 12 more; short protein forms D191G, D344G, D394G, D436G, D446G, D502G, D510G, D564G.
Identifiers: ClinVar variation 1774073 (VCV001774073.5), dbSNP rs2535779835, ClinGen allele CA366741745.